The following is an entry in ClinVar:

ClinVar aggregate classification (germline): Uncertain significance (1 of 4 stars; one submission).

Conditions:
Early onset severe obesity. Identifiers: MedGen C4013980.

Submission:

Cambridge Genomics Laboratory, East Genomic Laboratory Hub, NHS Genomic Medicine Service
Classification: Uncertain significance for Severe early-onset obesity. Last evaluated: 2026-05-06. Review status: criteria provided, single submitter. Criteria: ACGS Best Practice Guidelines for Variant Classification in Rare Disease 2020. Collection method: clinical testing. Allele origin: germline. Affected: yes.
Comment: PM2,PP2,PP3

NM_006180.6(NTRK2):c.2189T>C (p.Met730Thr)

Gene: NTRK2 (neurotrophic receptor tyrosine kinase 2; plus strand). Cytogenetic location: 9q21.33.
Variant type: single nucleotide variant.
Coding change: c.2189T>C on transcript NM_006180.6 (MANE Select); coding-DNA position 2189, T replaced by C.
Protein change: p.Met730Thr; replaces methionine 730 with threonine.
Molecular consequence: missense variant.
Genome position (GRCh38, 1-based): chr9:85,020,222, T>C. VCF-style: chr9-85020222-T-C. GRCh37 (hg19) VCF-style: chr9-87635137-T-C.
Other names: c.1721T>C, p.Met574Thr (NM_001369536.1); c.2141T>C, p.Met714Thr (NM_001018064.3, NM_001369532.1, NM_001369533.1); c.2105T>C, p.Met702Thr (NM_001369534.1); c.1673T>C, p.Met558Thr (NM_001369535.1); short protein forms M558T, M574T, M702T, M714T, M730T.
Identifiers: ClinVar variation 4850681 (VCV004850681.1).